The following is an entry in ClinVar:

NM_144997.7(FLCN):c.677T>C (p.Phe226Ser)

Gene: FLCN (folliculin; minus strand). Cytogenetic location: 17p11.2.
Variant type: single nucleotide variant.
Coding change: c.677T>C on transcript NM_144997.7 (MANE Select); coding-DNA position 677, T replaced by C.
Protein change: p.Phe226Ser; replaces phenylalanine 226 with serine.
Molecular consequence: missense variant.
Genome position (GRCh38, 1-based): chr17:17,222,603, A>G on the plus strand (T>C on the coding strand, the complement: FLCN is on the minus strand). VCF-style: chr17-17222603-A-G. GRCh37 (hg19) VCF-style: chr17-17125917-A-G.
Other names: c.731T>C, p.Phe244Ser (NM_001353229.2); c.677T>C, p.Phe226Ser (NM_001353230.2, NM_001353231.2, NM_144606.7); short protein forms F226S, F244S.
Identifiers: ClinVar variation 956148 (VCV000956148.9), dbSNP rs2047128063, ClinGen allele CA398534025.

ClinVar aggregate classification (germline): Uncertain significance. Review status: criteria provided, multiple submitters, no conflicts (2 of 4 stars). 2 submissions from 2 submitters: Uncertain significance (2). Last evaluated 2022-01-16.

Conditions:
Hereditary cancer-predisposing syndrome. Also called: Hereditary neoplastic syndrome; Tumor predisposition; Neoplastic Syndromes, Hereditary; Hereditary Cancer Syndrome. Identifiers: Orphanet 140162, MedGen C0027672, MeSH D009386, MONDO:0015356.
Birt-Hogg-Dube syndrome. Also called: Birt Hogg Dubé syndrome. Identifiers: Orphanet 122, MedGen C0346010, MONDO:0800444.

Submissions (2):

Ambry Genetics
Classification: Uncertain significance for Hereditary cancer-predisposing syndrome. Last evaluated: 2022-01-16. Review status: criteria provided, single submitter. Criteria: Ambry Variant Classification Scheme 2023. Collection method: clinical testing. Allele origin: germline.
Comment: The p.F226S variant (also known as c.677T>C), located in coding exon 4 of the FLCN gene, results from a T to C substitution at nucleotide position 677. The phenylalanine at codon 226 is replaced by serine, an amino acid with highly dissimilar properties. This amino acid position is conserved. In addition, this alteration is predicted to be deleterious by in silico analysis. Since supporting evidence is limited at this time, the clinical significance of this alteration remains unclear.

Labcorp Genetics (formerly Invitae), Labcorp
Classification: Uncertain significance for Birt-Hogg-Dube syndrome. Last evaluated: 2019-07-24. Review status: criteria provided, single submitter. Criteria: Invitae Variant Classification Sherloc (09022015). Collection method: clinical testing. Allele origin: germline.
Comment: In summary, the available evidence is currently insufficient to determine the role of this variant in disease. Therefore, it has been classified as a Variant of Uncertain Significance. Algorithms developed to predict the effect of missense changes on protein structure and function (SIFT, PolyPhen-2, Align-GVGD) all suggest that this variant is likely to be tolerated, but these predictions have not been confirmed by published functional studies and their clinical significance is uncertain. This variant has not been reported in the literature in individuals with FLCN-related conditions. This variant is not present in population databases (ExAC no frequency). This sequence change replaces phenylalanine with serine at codon 226 of the FLCN protein (p.Phe226Ser). The phenylalanine residue is highly conserved and there is a large physicochemical difference between phenylalanine and serine.